The following is an entry in ClinVar:

NM_000059.4(BRCA2):c.7396del (p.Ala2465_Val2466insTer)

Gene: BRCA2 (BRCA2 DNA repair associated; plus strand). Cytogenetic location: 13q13.1.
Variant type: Deletion.
Coding change: c.7396del on transcript NM_000059.4 (MANE Select); coding-DNA position 7396, one base deleted (G; older notation c.7396delG).
Protein change: p.Ala2465_Val2466insTer.
Molecular consequence: nonsense.
Genome position (GRCh38, 1-based): chr13:32,355,249, G deleted. VCF-style (leftmost placement, unchanged base first): chr13-32355248-AG-A. GRCh37 (hg19) VCF-style: chr13-32929385-AG-A.
Identifiers: ClinVar variation 962265 (VCV000962265.8), dbSNP rs2072684126, ClinGen allele CA1139663181.

ClinVar aggregate classification (germline): Pathogenic (1 of 4 stars; one submission).

Conditions:
Hereditary breast ovarian cancer syndrome. Also called: BRCA1- and BRCA2-Associated Hereditary Breast and Ovarian Cancer; Hereditary breast and ovarian cancer; Hereditary breast and/or ovarian cancer syndrome; Hereditary breast and ovarian cancer syndrome; Hereditary breast and ovarian cancer syndrome (HBOC); Breast and ovarian cancer. Identifiers: Orphanet 145, MedGen C0677776, MeSH D061325, MONDO:0003582. Disease mechanism: loss of function.

Submission:

Labcorp Genetics (formerly Invitae), Labcorp
Classification: Pathogenic for Hereditary breast ovarian cancer syndrome. Last evaluated: 2019-07-17. Review status: criteria provided, single submitter. Criteria: Invitae Variant Classification Sherloc (09022015). Collection method: clinical testing. Allele origin: germline.
Comment: This sequence change creates a premature translational stop signal (p.Ala2466Glnfs*3) in the BRCA2 gene. It is expected to result in an absent or disrupted protein product. This variant is not present in population databases (ExAC no frequency). This variant has not been reported in the literature in individuals with BRCA2-related conditions. Loss-of-function variants in BRCA2 are known to be pathogenic (PMID: 20104584). For these reasons, this variant has been classified as Pathogenic.

Literature cited by the submitters: PubMed 20104584.